The following is an entry in ClinVar:

NM_006939.4(SOS2):c.1230AAG[1] (p.Arg411del)

Gene: SOS2 (SOS Ras/Rho guanine nucleotide exchange factor 2; minus strand). Cytogenetic location: 14q21.3.
Variant type: Microsatellite.
Coding change: c.1230AAG[1] on transcript NM_006939.4 (MANE Select); one copy of the 3-base unit AAG starting at c.1230; the reference has two copies in a row; one copy, 3 bases deleted.
Protein change: p.Arg411del; deletes arginine 411.
Molecular consequence: inframe deletion.
Genome position (GRCh38, 1-based): chr14:50,160,048-50,160,050, CTT deleted on the plus strand (AAG on the coding strand, the reverse complement: SOS2 is on the minus strand); deleting any 3 consecutive bases within chr14:50,160,048-50,160,053 gives the same sequence; the position shown is the placement nearest the transcript's 3' end. VCF-style (leftmost placement, unchanged base first): chr14-50160047-GCTT-G. GRCh37 (hg19) VCF-style: chr14-50626765-GCTT-G.
Other names: c.1131AAG[1], p.Arg378del (NM_001411020.1); short protein forms R378del, R411del.
Identifiers: ClinVar variation 2156209 (VCV002156209.5), dbSNP rs1884943801, ClinGen allele CA962991889.

ClinVar aggregate classification (germline): Uncertain significance. Review status: criteria provided, multiple submitters, no conflicts (2 of 4 stars). 2 submissions from 2 submitters: Uncertain significance (2). Last evaluated 2024-10-15.

Conditions:
Noonan syndrome 9 (NS9). Identifiers: Orphanet 648, MedGen C4225282, MONDO:0014691, OMIM 616559.

Submissions (2):

Labcorp Genetics (formerly Invitae), Labcorp
Classification: Uncertain significance for Noonan syndrome 9. Last evaluated: 2024-10-15. Review status: criteria provided, single submitter. Criteria: Invitae Variant Classification Sherloc (09022015). Collection method: clinical testing. Allele origin: germline.
Comment: This variant, c.1233_1235del, results in the deletion of 1 amino acid(s) of the SOS2 protein (p.Arg411del), but otherwise preserves the integrity of the reading frame. This variant is not present in population databases (gnomAD no frequency). This variant has not been reported in the literature in individuals affected with SOS2-related conditions. Experimental studies and prediction algorithms are not available or were not evaluated, and the functional significance of this variant is currently unknown. In summary, the available evidence is currently insufficient to determine the role of this variant in disease. Therefore, it has been classified as a Variant of Uncertain Significance.

Blueprint Genetics
Classification: Uncertain significance. Last evaluated: 2022-12-01. Review status: criteria provided, single submitter. Criteria: ACMG Guidelines, 2015. Collection method: clinical testing. Allele origin: germline.